The following is an entry in ClinVar:

NM_005802.5(TOPORS):c.2773G>A (p.Glu925Lys)

Gene: TOPORS (TOP1 binding arginine/serine rich protein, E3 ubiquitin ligase; minus strand). Cytogenetic location: 9p21.1.
Variant type: single nucleotide variant.
Coding change: c.2773G>A on transcript NM_005802.5 (MANE Select); coding-DNA position 2773, G replaced by A.
Protein change: p.Glu925Lys; replaces glutamic acid 925 with lysine.
Molecular consequence: missense variant.
Genome position (GRCh38, 1-based): chr9:32,541,752, C>T on the plus strand (G>A on the coding strand, the complement: TOPORS is on the minus strand). VCF-style: chr9-32541752-C-T. GRCh37 (hg19) VCF-style: chr9-32541750-C-T.
Other names: c.2578G>A, p.Glu860Lys (NM_001195622.2); short protein forms E925K, E860K.
Identifiers: ClinVar variation 3007752 (VCV003007752.3), dbSNP rs2489445156, ClinGen allele CA373161198.

ClinVar aggregate classification (germline): Uncertain significance (1 of 4 stars; one submission).

Allele frequency attached by ClinVar (database versions not stated): gnomAD exomes below 0.00001.
gnomAD v4.1: 7 of 1,614,220 alleles (0.00043%); highest among the groups gnomAD compares: Non-Finnish European, 0.00059%; no homozygotes.

Submission:

Labcorp Genetics (formerly Invitae), Labcorp
Classification: Uncertain significance. Last evaluated: 2023-02-21. Review status: criteria provided, single submitter. Criteria: Invitae Variant Classification Sherloc (09022015). Collection method: clinical testing. Allele origin: germline.
Comment: This sequence change replaces glutamic acid, which is acidic and polar, with lysine, which is basic and polar, at codon 925 of the TOPORS protein (p.Glu925Lys). In summary, the available evidence is currently insufficient to determine the role of this variant in disease. Therefore, it has been classified as a Variant of Uncertain Significance. Experimental studies and prediction algorithms are not available or were not evaluated, and the functional significance of this variant is currently unknown. This variant has not been reported in the literature in individuals affected with TOPORS-related conditions. This variant is not present in population databases (gnomAD no frequency).